The following is an entry in ClinVar:

NM_005676.5(RBM10):c.331C>T (p.Gln111Ter)

Gene: RBM10 (RNA binding motif protein 10; plus strand). Cytogenetic location: Xp11.3.
Variant type: single nucleotide variant.
Coding change: c.331C>T on transcript NM_005676.5 (MANE Select); coding-DNA position 331, C replaced by T.
Protein change: p.Gln111Ter; replaces glutamine 111 with a stop codon.
Molecular consequence: nonsense. On other transcripts: intron variant (2).
Genome position (GRCh38, 1-based): chrX:47,171,157, C>T. VCF-style: chrX-47171157-C-T. GRCh37 (hg19) VCF-style: chrX-47030556-C-T.
Other names: c.331C>T, p.Gln111Ter (NM_001204467.2); c.526C>T, p.Gln176Ter (NM_001204468.2); c.201+1659C>T (NM_001204466.2, NM_152856.3); short protein forms Q111*, Q176*.
Identifiers: ClinVar variation 2429214 (VCV002429214.6), dbSNP rs1934631873, ClinGen allele CA412791283.

ClinVar aggregate classification (germline): Likely pathogenic. Review status: criteria provided, multiple submitters, no conflicts (2 of 4 stars). 2 submissions from 2 submitters: Likely pathogenic (2). Last evaluated 2023-01-08.

Conditions:
TARP syndrome (TARPS). Also called: PIERRE ROBIN SYNDROME WITH CONGENITAL HEART MALFORMATION AND CLUBFOOT; TALIPES EQUINOVARUS, ATRIAL SEPTAL DEFECT, ROBIN SEQUENCE, AND PERSISTENCE OF LEFT SUPERIOR VENA CAVA. Identifiers: Orphanet 2886, MedGen C1839463, MONDO:0010711, OMIM 311900.

Submissions (2):

Women's Health and Genetics/Laboratory Corporation of America, LabCorp
Classification: Likely pathogenic for TARP syndrome. Last evaluated: 2023-01-08. Review status: criteria provided, single submitter. Criteria: LabCorp Variant Classification Summary - May 2015. Collection method: clinical testing. Allele origin: germline.
Comment: Variant summary: RBM10 c.331C>T (p.Gln111X) results in a premature termination codon, predicted to cause a truncation of the encoded protein or absence of the protein due to nonsense mediated decay, which are commonly known mechanisms for disease. Truncations downstream of this position have been classified as pathogenic within ClinVar (e.g. c.1352_1353del [p.Glu451fs]). The variant was absent in 176332 control chromosomes (gnomAD). To our knowledge, no occurrence of c.331C>T in individuals affected with TARP Syndrome and no experimental evidence demonstrating its impact on protein function have been reported. No clinical diagnostic laboratories have submitted clinical-significance assessments for this variant to ClinVar after 2014. Based on the evidence outlined above, the variant was classified as likely pathogenic.

Juno Genomics, Hangzhou Juno Genomics, Inc
Classification: Likely pathogenic for TARP syndrome. Review status: criteria provided, single submitter. Criteria: ACMG Guidelines, 2015. Collection method: clinical testing. Allele origin: germline. Affected: yes.
Comment: Absent from controls (or at extremely low frequency if recessive) in Genome Aggregation Database.;Null variant in a gene where loss of function (LOF) is a known mechanism of disease.